The following is an entry in ClinVar:

NM_001009999.3(KDM1A):c.2303A>G (p.Lys768Arg)

Gene: KDM1A (lysine demethylase 1A; plus strand). Cytogenetic location: 1p36.12.
Variant type: single nucleotide variant.
Coding change: c.2303A>G on transcript NM_001009999.3 (MANE Select); coding-DNA position 2303, A replaced by G.
Protein change: p.Lys768Arg; replaces lysine 768 with arginine.
Molecular consequence: missense variant.
Genome position (GRCh38, 1-based): chr1:23,082,224, A>G. VCF-style: chr1-23082224-A-G. GRCh37 (hg19) VCF-style: chr1-23408717-A-G.
Other names: c.2249A>G, p.Lys750Arg (NM_001363654.2); c.2309A>G, p.Lys770Arg (NM_001410762.1); c.2231A>G, p.Lys744Arg (NM_001410763.1, NM_015013.4); short protein forms K750R, K768R, K744R, K770R.
Identifiers: ClinVar variation 4844708 (VCV004844708.1).

ClinVar aggregate classification (germline): Uncertain significance (1 of 4 stars; one submission).

Conditions:
Inborn genetic diseases. Identifiers: MedGen C0950123, MeSH D030342.

gnomAD v4.1: 6 of 1,612,734 alleles (0.00037%); highest among the groups gnomAD compares: South Asian, 0.0055%; no homozygotes.

Submission:

Ambry Genetics
Classification: Uncertain significance for Inborn genetic diseases. Last evaluated: 2026-02-16. Review status: criteria provided, single submitter. Criteria: Ambry Variant Classification Scheme 2023. Collection method: clinical testing. Allele origin: germline.
Comment: The p.K768R variant (also known as c.2303A>G), located in coding exon 20 of the KDM1A gene, results from an A to G substitution at nucleotide position 2303. The lysine at codon 768 is replaced by arginine, an amino acid with highly similar properties. This amino acid position is conserved. In addition, the in silico prediction for this alteration is inconclusive. Based on the available evidence, the clinical significance of this variant remains unclear.